The following is an entry in ClinVar:

NM_024577.4(SH3TC2):c.1568T>C (p.Met523Thr)

Gene: SH3TC2 (SH3 domain and tetratricopeptide repeats 2; minus strand). Cytogenetic location: 5q32.
Variant type: single nucleotide variant.
Coding change: c.1568T>C on transcript NM_024577.4 (MANE Select); coding-DNA position 1568, T replaced by C.
Protein change: p.Met523Thr; replaces methionine 523 with threonine.
Molecular consequence: missense variant.
Genome position (GRCh38, 1-based): chr5:149,028,164, A>G on the plus strand (T>C on the coding strand, the complement: SH3TC2 is on the minus strand). VCF-style: chr5-149028164-A-G. GRCh37 (hg19) VCF-style: chr5-148407727-A-G.
Other names: short protein forms M523T.
Identifiers: ClinVar variation 3233919 (VCV003233919.3), dbSNP rs924888736, ClinGen allele CA128985291.

ClinVar aggregate classification (germline): Uncertain significance. Review status: criteria provided, multiple submitters, no conflicts (2 of 4 stars). 2 submissions from 2 submitters: Uncertain significance (2). Last evaluated 2025-06-26.

Conditions:
SH3TC2-related disorder. Also called: SH3TC2-related condition; SH3TC2-related disorders. Identifiers: MedGen CN239303.

Allele frequency attached by ClinVar (database versions not stated): gnomAD exomes 0.00001; TOPMed 0.00001.
gnomAD v4.1: 10 of 1,614,120 alleles (0.00062%); highest among the groups gnomAD compares: Non-Finnish European, 0.00085%; no homozygotes.

Submissions (2):

PreventionGenetics, part of Exact Sciences
Classification: Uncertain significance for SH3TC2-related condition. Last evaluated: 2025-06-26. Review status: criteria provided, single submitter. Criteria: ACMG Guidelines, 2015. Collection method: clinical testing. Allele origin: germline.
Comment: The SH3TC2 c.1568T>C variant is predicted to result in the amino acid substitution p.Met523Thr. This variant was reported in three siblings with clinical features consistent with amyotrophic lateral sclerosis (Kotan et al. 2020. PubMed ID: 32671691). This variant has not been reported in a large population database (gnomAD), indicating this variant is rare. At this time, the clinical significance of this variant is uncertain due to the absence of conclusive functional and genetic evidence.

Women's Health and Genetics/Laboratory Corporation of America, LabCorp
Classification: Uncertain significance. Last evaluated: 2024-03-15. Review status: criteria provided, single submitter. Criteria: LabCorp Variant Classification Summary - May 2015. Collection method: clinical testing. Allele origin: germline.
Comment: Variant summary: SH3TC2 c.1568T>C (p.Met523Thr) results in a non-conservative amino acid change in the encoded protein sequence. Three of five in-silico tools predict a benign effect of the variant on protein function. The variant was absent in 251306 control chromosomes (gnomAD). The available data on variant occurrences in the general population are insufficient to allow any conclusion about variant significance. c.1568T>C has been reported in the literature in a heterozygous individuals affected with Amyotrophic lateral sclerosis (Kotan_2020). This report does not provide unequivocal conclusions about association of the variant with Charcot-Marie Disease Type 4C. To our knowledge, no experimental evidence demonstrating an impact on protein function has been reported. The following publication has been ascertained in the context of this evaluation (PMID: 32671691). No submitters have cited clinical-significance assessments for this variant to ClinVar. Based on the evidence outlined above, the variant was classified as uncertain significance.

Literature cited by the submitters: PubMed 32671691 (cited by Women's Health and Genetics/Laboratory Corporation of America, LabCorp).